The following is an entry in ClinVar:

ClinVar aggregate classification (germline): Uncertain significance. Review status: criteria provided, multiple submitters, no conflicts (2 of 4 stars). 2 submissions from 2 submitters: Uncertain significance (2). Last evaluated 2026-03-16.

Conditions:
Inborn genetic diseases. Identifiers: MedGen C0950123, MeSH D030342.

Allele frequency attached by ClinVar (database versions not stated): ExAC 0.00001; gnomAD exomes 0.00002; gnomAD 0.00004; ESP Exome Variant Server 0.00008; TOPMed 0.00008.
gnomAD v4.1: 35 of 1,613,492 alleles (0.0022%); highest among the groups gnomAD compares: Admixed American, 0.017%; no homozygotes.

Submissions (2):

GeneDx
Classification: Uncertain significance. Last evaluated: 2026-03-16. Review status: criteria provided, single submitter. Criteria: GeneDx Variant Classification Process June 2021. Collection method: clinical testing. Allele origin: germline.
Comment: Not observed at significant frequency in large population cohorts (gnomAD); In silico analysis supports that this missense variant has a deleterious effect on protein structure/function; Has not been previously published as pathogenic or benign to our knowledge

Ambry Genetics
Classification: Uncertain significance for Inborn genetic diseases. Last evaluated: 2025-06-18. Review status: criteria provided, single submitter. Criteria: Ambry Variant Classification Scheme 2023. Collection method: clinical testing. Allele origin: germline.

NM_025009.5(CEP135):c.2386C>T (p.Arg796Trp)

Gene: CEP135 (centrosomal protein 135; plus strand). Cytogenetic location: 4q12.
Variant type: single nucleotide variant.
Coding change: c.2386C>T on transcript NM_025009.5 (MANE Select); coding-DNA position 2386, C replaced by T.
Protein change: p.Arg796Trp; replaces arginine 796 with tryptophan.
Molecular consequence: missense variant.
Genome position (GRCh38, 1-based): chr4:56,009,784, C>T. VCF-style: chr4-56009784-C-T. GRCh37 (hg19) VCF-style: chr4-56875950-C-T.
Other names: c.2386C>T (NM_025009.4); short protein forms R796W.
Identifiers: ClinVar variation 2341018 (VCV002341018.4), dbSNP rs369566362, ClinGen allele CA2928143.